The following is an entry in ClinVar:

NM_014314.4(RIGI):c.2456_2457delinsTT (p.Tyr819Phe)

Genes: RIGI (RNA sensor RIG-I; minus strand), LOC101060445 (uncharacterized LOC101060445; plus strand). Cytogenetic location: 9p21.1.
Variant type: Indel.
Coding change: c.2456_2457delinsTT on transcript NM_014314.4 (MANE Select); coding-DNA positions 2456 to 2457, AC replaced by TT.
Protein change: p.Tyr819Phe; replaces tyrosine 819 with phenylalanine.
Molecular consequence: missense variant. On other transcripts: non-coding transcript variant (1).
Genome position (GRCh38, 1-based): chr9:32,459,395-32,459,396, GT replaced by AA on the plus strand (AC replaced by TT on the coding strand, the reverse complement: RIGI is on the minus strand). VCF-style: chr9-32459395-GT-AA. GRCh37 (hg19) VCF-style: chr9-32459393-GT-AA.
Other names: c.2450_2451delinsTT, p.Tyr817Phe (NM_001385907.1); c.2285_2286delinsTT, p.Tyr762Phe (NM_001385909.1); c.2015_2016delinsTT, p.Tyr672Phe (NM_001385910.1); c.1847_1848delinsTT, p.Tyr616Phe (NM_001385912.1); c.2441_2442delinsTT, p.Tyr814Phe (NM_001385913.1); c.2012_2013delinsTT, p.Tyr671Phe (NM_001385914.1); short protein forms Y616F, Y671F, Y672F, Y762F, Y814F, Y817F, Y819F.
Identifiers: ClinVar variation 4806172 (VCV004806172.1).

ClinVar aggregate classification (germline): Uncertain significance (1 of 4 stars; one submission).

Submission:

Labcorp Genetics (formerly Invitae), Labcorp
Classification: Uncertain significance. Last evaluated: 2025-10-14. Review status: criteria provided, single submitter. Criteria: Invitae Variant Classification Sherloc (09022015). Collection method: clinical testing. Allele origin: germline.
Comment: This sequence change replaces tyrosine, which is neutral and polar, with phenylalanine, which is neutral and non-polar, at codon 819 of the DDX58 protein (p.Tyr819Phe). Information on the frequency of this variant in the gnomAD database is not available, as this variant may be reported differently in the database. This variant has not been reported in the literature in individuals affected with DDX58-related conditions. An algorithm developed to predict the effect of missense changes on protein structure and function (PolyPhen-2) suggests that this variant is likely to be tolerated. In summary, the available evidence is currently insufficient to determine the role of this variant in disease. Therefore, it has been classified as a Variant of Uncertain Significance.